The following is an entry in ClinVar:

ClinVar aggregate classification (germline): Uncertain significance (1 of 4 stars; one submission).

Conditions:
Inborn genetic diseases. Identifiers: MedGen C0950123, MeSH D030342.

gnomAD v4.1: 27 of 1,612,758 alleles (0.0017%); highest among the groups gnomAD compares: Non-Finnish European, 0.002%; no homozygotes.

Submission:

Ambry Genetics
Classification: Uncertain significance for Inborn genetic diseases. Last evaluated: 2026-06-15. Review status: criteria provided, single submitter. Criteria: Ambry Variant Classification Scheme 2023. Collection method: clinical testing. Allele origin: germline.
Comment: The c.4219G>T (p.V1407F) alteration is located in exon 19 (coding exon 19) of the MED13 gene. This alteration results from a G to T substitution at nucleotide position 4219, causing the valine (V) at amino acid position 1407 to be replaced by a phenylalanine (F). Based on data from gnomAD, the T allele has an overall frequency of 0.002% (4/247916) total alleles studied. The highest observed frequency was 0.007% (1/15444) of African alleles. Based on insufficient or conflicting evidence, the clinical significance of this alteration remains unclear.

NM_005121.3(MED13):c.4219G>T (p.Val1407Phe)

Gene: MED13 (mediator complex subunit 13; minus strand). Cytogenetic location: 17q23.2.
Variant type: single nucleotide variant.
Coding change: c.4219G>T on transcript NM_005121.3 (MANE Select); coding-DNA position 4219, G replaced by T.
Protein change: p.Val1407Phe; replaces valine 1407 with phenylalanine.
Molecular consequence: missense variant.
Genome position (GRCh38, 1-based): chr17:61,966,624, C>A on the plus strand (G>T on the coding strand, the complement: MED13 is on the minus strand). VCF-style: chr17-61966624-C-A. GRCh37 (hg19) VCF-style: chr17-60043985-C-A.
Other names: short protein forms V1407F.
Identifiers: ClinVar variation 5024246 (VCV005024246.1).